The following is an entry in ClinVar:

NM_006445.4(PRPF8):c.6931C>T (p.Pro2311Ser)

Gene: PRPF8 (pre-mRNA processing factor 8; minus strand). Cytogenetic location: 17p13.3.
Variant type: single nucleotide variant.
Coding change: c.6931C>T on transcript NM_006445.4 (MANE Select); coding-DNA position 6931, C replaced by T.
Protein change: p.Pro2311Ser; replaces proline 2311 with serine.
Molecular consequence: missense variant.
Genome position (GRCh38, 1-based): chr17:1,650,879, G>A on the plus strand (C>T on the coding strand, the complement: PRPF8 is on the minus strand). VCF-style: chr17-1650879-G-A. GRCh37 (hg19) VCF-style: chr17-1554173-G-A.
Other names: short protein forms P2311S.
Identifiers: ClinVar variation 1931044 (VCV001931044.5), dbSNP rs2543709780, ClinGen allele CA397562001.

ClinVar aggregate classification (germline): Uncertain significance (1 of 4 stars; one submission).

Allele frequency attached by ClinVar (database versions not stated): gnomAD exomes below 0.00001.
gnomAD v4.1: 1 of 1,614,174 alleles (0.000062%); highest among the groups gnomAD compares: South Asian, 0.0011%; no homozygotes.

Submission:

Labcorp Genetics (formerly Invitae), Labcorp
Classification: Uncertain significance. Last evaluated: 2025-03-03. Review status: criteria provided, single submitter. Criteria: Invitae Variant Classification Sherloc (09022015). Collection method: clinical testing. Allele origin: germline.
Comment: This sequence change replaces proline, which is neutral and non-polar, with serine, which is neutral and polar, at codon 2311 of the PRPF8 protein (p.Pro2311Ser). This variant is not present in population databases (gnomAD no frequency). This variant has not been reported in the literature in individuals affected with PRPF8-related conditions. ClinVar contains an entry for this variant (Variation ID: 1931044). Invitae Evidence Modeling of protein sequence and biophysical properties (such as structural, functional, and spatial information, amino acid conservation, physicochemical variation, residue mobility, and thermodynamic stability) indicates that this missense variant is not expected to disrupt PRPF8 protein function with a negative predictive value of 80%. In summary, the available evidence is currently insufficient to determine the role of this variant in disease. Therefore, it has been classified as a Variant of Uncertain Significance.